The following is an entry in ClinVar:

NM_003002.4(SDHD):c.102T>G (p.Phe34Leu)

Gene: SDHD (succinate dehydrogenase complex subunit D; plus strand). Cytogenetic location: 11q23.1.
Variant type: single nucleotide variant.
Coding change: c.102T>G on transcript NM_003002.4 (MANE Select); coding-DNA position 102, T replaced by G.
Protein change: p.Phe34Leu; replaces phenylalanine 34 with leucine.
Molecular consequence: missense variant. On other transcripts: non-coding transcript variant (1), intron variant (1).
Genome position (GRCh38, 1-based): chr11:112,087,906, T>G. VCF-style: chr11-112087906-T-G. GRCh37 (hg19) VCF-style: chr11-111958630-T-G.
Other names: c.102T>G, p.Phe34Leu (NM_001276503.2, NM_001276506.2); c.52+947T>G (NM_001276504.2); c.102T>G (NM_003002.2); short protein forms F34L.
Identifiers: ClinVar variation 2134043 (VCV002134043.5), dbSNP rs2498899868, ClinGen allele CA382616997.

ClinVar aggregate classification (germline): Uncertain significance. Review status: criteria provided, multiple submitters, no conflicts (2 of 4 stars). 2 submissions from 2 submitters: Uncertain significance (2). Last evaluated 2026-07-06.

Conditions:
Paragangliomas with sensorineural hearing loss. Identifiers: MedGen C1868633.
Carney-Stratakis syndrome. Also called: PARAGANGLIOMA AND GASTROINTESTINAL STROMAL TUMOR. Identifiers: Orphanet 97286, MedGen C1847319, MONDO:0011740, OMIM 606864.
Pheochromocytoma. Also called: MAX-Related Hereditary Paraganglioma-Pheochromocytoma Syndrome. Identifiers: Orphanet 29072, MedGen C0031511, MONDO:0008233, OMIM 171300, HP:0002666.
Cowden syndrome 3 (CWS3). Identifiers: Orphanet 201, MedGen CN166604, MONDO:0014045.
Hereditary cancer-predisposing syndrome. Also called: Tumor predisposition; Hereditary Cancer Syndrome; Hereditary neoplastic syndrome; Neoplastic Syndromes, Hereditary. Identifiers: Orphanet 140162, MedGen C0027672, MeSH D009386, MONDO:0015356.

Submissions (2):

Ambry Genetics
Classification: Uncertain significance for Hereditary cancer-predisposing syndrome. Last evaluated: 2026-07-06. Review status: criteria provided, single submitter. Criteria: Ambry Variant Classification Scheme 2023. Collection method: clinical testing. Allele origin: germline.
Comment: The p.F34L variant (also known as c.102T>G), located in coding exon 2 of the SDHD gene, results from a T to G substitution at nucleotide position 102. The phenylalanine at codon 34 is replaced by leucine, an amino acid with highly similar properties. This amino acid position is conserved. In addition, the in silico prediction for this alteration is inconclusive. Based on the available evidence, the clinical significance of this variant remains unclear.

Labcorp Genetics (formerly Invitae), Labcorp
Classification: Uncertain significance for Carney-Stratakis syndrome; Paragangliomas with sensorineural hearing loss; Pheochromocytoma; Cowden syndrome 3. Last evaluated: 2022-07-15. Review status: criteria provided, single submitter. Criteria: Invitae Variant Classification Sherloc (09022015). Collection method: clinical testing. Allele origin: germline.
Comment: In summary, the available evidence is currently insufficient to determine the role of this variant in disease. Therefore, it has been classified as a Variant of Uncertain Significance. Advanced modeling of protein sequence and biophysical properties (such as structural, functional, and spatial information, amino acid conservation, physicochemical variation, residue mobility, and thermodynamic stability) performed at Invitae indicates that this missense variant is not expected to disrupt SDHD protein function. This variant has not been reported in the literature in individuals affected with SDHD-related conditions. This variant is not present in population databases (gnomAD no frequency). This sequence change replaces phenylalanine, which is neutral and non-polar, with leucine, which is neutral and non-polar, at codon 34 of the SDHD protein (p.Phe34Leu).